The following is an entry in ClinVar:

NM_002016.2(FLG):c.284C>T (p.Pro95Leu)

Genes: CCDST (cervical cancer associated DHX9 suppressive transcript; plus strand), FLG (filaggrin; minus strand). Cytogenetic location: 1q21.3.
Variant type: single nucleotide variant.
Coding change: c.284C>T on transcript NM_002016.2 (MANE Select); coding-DNA position 284, C replaced by T.
Protein change: p.Pro95Leu; replaces proline 95 with leucine.
Molecular consequence: missense variant.
Genome position (GRCh38, 1-based): chr1:152,314,602, G>A on the plus strand (C>T on the coding strand, the complement: FLG is on the minus strand). VCF-style: chr1-152314602-G-A. GRCh37 (hg19) VCF-style: chr1-152287078-G-A.
Other names: NC_000001.10:g.152287078G>A; short protein forms P95L.
Identifiers: ClinVar variation 1227167 (VCV001227167.7), dbSNP rs76438926, ClinGen allele CA1108044.

ClinVar aggregate classification (germline): Benign. Review status: criteria provided, multiple submitters, no conflicts (2 of 4 stars). 3 submissions from 3 submitters: Benign (2). 1 of the submissions does not count toward it. Last evaluated 2019-02-04.

Conditions:
FLG-related disorder. Also called: FLG-related disorders; FLG-related condition.

Allele frequency attached by ClinVar (database versions not stated): gnomAD exomes 0.00139 and 0.00392; ExAC 0.00457; 1000 Genomes Project 0.01318; 1000 Genomes Project 30x 0.01327; gnomAD 0.01498 and 0.01615; ESP Exome Variant Server 0.01661.

Submissions (9):

GeneDx
Classification: Benign. Last evaluated: 2019-02-04. Review status: criteria provided, single submitter. Criteria: GeneDx Variant Classification Process June 2021. Collection method: clinical testing. Allele origin: germline. Affected: yes.

Breakthrough Genomics
Classification: Benign. Review status: criteria provided, single submitter. Criteria: ACMG Guidelines, 2015. Collection method: not provided. Allele origin: germline. Inheritance: Autosomal dominant inheritance. Affected: yes.

PreventionGenetics, part of Exact Sciences
Classification: Benign for FLG-related condition. Last evaluated: 2019-11-08. Review status: no assertion criteria provided. Collection method: clinical testing. Allele origin: germline. Not counted in ClinVar's aggregate classification.
Comment: This variant is classified as benign based on ACMG/AMP sequence variant interpretation guidelines (Richards et al. 2015 PMID: 25741868, with internal and published modifications).

Dr. Peter K. Rogan Lab, Western University
No classification provided (evidence only). Condition: Malignant tumor of esophagus. Review status: no classification provided. Collection method: in vitro. Allele origin: not applicable. Functional consequence: retained intron. Not counted in ClinVar's aggregate classification.

Dr. Peter K. Rogan Lab, Western University
No classification provided (evidence only). Condition: Clear cell carcinoma of kidney. Review status: no classification provided. Collection method: in vitro. Allele origin: not applicable. Functional consequence: retained intron. Not counted in ClinVar's aggregate classification.

Dr. Peter K. Rogan Lab, Western University
No classification provided (evidence only). Condition: Thyroid cancer, nonmedullary, 1. Review status: no classification provided. Collection method: in vitro. Allele origin: not applicable. Functional consequence: retained intron. Not counted in ClinVar's aggregate classification.

Dr. Peter K. Rogan Lab, Western University
No classification provided (evidence only). Condition: Sarcoma. Review status: no classification provided. Collection method: in vitro. Allele origin: not applicable. Functional consequence: retained intron. Not counted in ClinVar's aggregate classification.

Dr. Peter K. Rogan Lab, Western University
No classification provided (evidence only). Condition: Hepatocellular carcinoma. Review status: no classification provided. Collection method: in vitro. Allele origin: not applicable. Functional consequence: retained intron. Not counted in ClinVar's aggregate classification.

Dr. Peter K. Rogan Lab, Western University
No classification provided (evidence only). Condition: Gastric cancer. Review status: no classification provided. Collection method: in vitro. Allele origin: not applicable. Functional consequence: retained intron. Not counted in ClinVar's aggregate classification.